The following is an entry in ClinVar:

ClinVar aggregate classification (germline): Uncertain significance (1 of 4 stars; one submission).

Allele frequency attached by ClinVar (database versions not stated): gnomAD exomes below 0.00001; TOPMed below 0.00001.
gnomAD v4.1: 3 of 1,610,024 alleles (0.00019%); highest among the groups gnomAD compares: East Asian, 0.0045%; no homozygotes.

Submission:

Labcorp Genetics (formerly Invitae), Labcorp
Classification: Uncertain significance. Last evaluated: 2021-11-27. Review status: criteria provided, single submitter. Criteria: Invitae Variant Classification Sherloc (09022015). Collection method: clinical testing. Allele origin: germline.
Comment: This sequence change replaces threonine, which is neutral and polar, with isoleucine, which is neutral and non-polar, at codon 67 of the IFNAR2 protein (p.Thr67Ile). In summary, the available evidence is currently insufficient to determine the role of this variant in disease. Therefore, it has been classified as a Variant of Uncertain Significance. Algorithms developed to predict the effect of missense changes on protein structure and function are either unavailable or do not agree on the potential impact of this missense change (SIFT: "Deleterious"; PolyPhen-2: "Benign"; Align-GVGD: "Class C0"). This variant has not been reported in the literature in individuals affected with IFNAR2-related conditions. This variant is not present in population databases (gnomAD no frequency).

NM_001289125.3(IFNAR2):c.200C>T (p.Thr67Ile)

Genes: IFNAR2 (interferon alpha and beta receptor subunit 2; plus strand), IFNAR2-IL10RB (IFNAR2-IL10RB readthrough; plus strand). Cytogenetic location: 21q22.11.
Variant type: single nucleotide variant.
Coding change: c.200C>T on transcript NM_001289125.3 (MANE Select); coding-DNA position 200, C replaced by T.
Protein change: p.Thr67Ile; replaces threonine 67 with isoleucine.
Molecular consequence: missense variant.
Genome position (GRCh38, 1-based): chr21:33,245,053, C>T. VCF-style: chr21-33245053-C-T. GRCh37 (hg19) VCF-style: chr21-34617358-C-T.
Other names: c.200C>T, p.Thr67Ile (NM_000874.5, NM_001289126.2, NM_001289128.2 and 4 more transcripts); short protein forms T67I.
Identifiers: ClinVar variation 1424948 (VCV001424948.6), dbSNP rs372212285, ClinGen allele CA320117243.
Genomic context (GRCh38, chr21:33,245,053, plus strand): 5'-ATTTCCGGTCCATCTTATCATGGGAATTAAAAAACCACTCCATTGTACCAACTCACTATA[C>T]ATTGCTGTATACAATCATGAGGTTGGTTTGATATTTCATTTTCTCTTGGTAAACATATTA-3'
Protein context (NP_001276054.1, residues 57-77): KNHSIVPTHY[Thr67Ile]LLYTIMSKPE